The following is an entry in ClinVar:

ClinVar aggregate classification (germline): Likely pathogenic. Review status: criteria provided, multiple submitters, no conflicts (2 of 4 stars). 4 submissions from 4 submitters: Likely pathogenic (4). Last evaluated 2025-03-04.

Conditions:
Intellectual disability, X-linked 102 (MRXSSB). Also called: Intellectual developmental disorder, X-linked syndromic, Snijders Blok type. Identifiers: Orphanet 457260, MedGen C5393299, MONDO:0010497, OMIM 300958.

Submissions (4):

Center for Genomic Medicine, Rigshospitalet, Copenhagen University Hospital
Classification: Likely pathogenic. Last evaluated: 2025-03-04. Review status: criteria provided, single submitter. Criteria: ACMG Guidelines, 2015. Collection method: clinical testing. Allele origin: germline.

CeGaT Center for Human Genetics Tuebingen
Classification: Likely pathogenic. Last evaluated: 2023-12-01. Review status: criteria provided, single submitter. Criteria: CeGaT Center For Human Genetics Tuebingen Variant Classification Criteria Version 2. Collection method: clinical testing. Allele origin: germline. Affected: yes. Observed: 1 variant allele.
Comment: DDX3X: PM1, PM2, PP2, PP3

Baylor Genetics
Classification: Likely pathogenic for Intellectual disability, X-linked 102. Last evaluated: 2020-12-01. Review status: criteria provided, single submitter. Criteria: ACMG Guidelines, 2015. Collection method: clinical testing. Allele origin: de novo. Affected: yes.
Comment: This variant was determined to be likely pathogenic according to ACMG Guidelines, 2015 [PMID:25741868].

Undiagnosed Diseases Network, NIH
Classification: Likely pathogenic for Intellectual disability, X-linked 102. Last evaluated: 2020-12-01. Review status: criteria provided, single submitter. Criteria: ACMG Guidelines, 2015. Collection method: clinical testing. Allele origin: de novo. Inheritance: X-linked inheritance. Affected: yes. Observed: 1 variant allele, 1 heterozygote. Study: Undiagnosed Diseases Network (NIH), UDN.

Literature cited by the submitters: PubMed 26235985 (cited by Center for Genomic Medicine, Rigshospitalet, Copenhagen University Hospital); PubMed 30349862 (cited by Center for Genomic Medicine, Rigshospitalet, Copenhagen University Hospital); PubMed 31274575 (cited by Center for Genomic Medicine, Rigshospitalet, Copenhagen University Hospital); PubMed 32852922 (cited by Center for Genomic Medicine, Rigshospitalet, Copenhagen University Hospital).

NM_001356.5(DDX3X):c.1537G>C (p.Val513Leu)

Gene: DDX3X (DEAD-box helicase 3 X-linked; plus strand). Cytogenetic location: Xp11.4.
Variant type: single nucleotide variant.
Coding change: c.1537G>C on transcript NM_001356.5 (MANE Select); coding-DNA position 1537, G replaced by C.
Protein change: p.Val513Leu; replaces valine 513 with leucine.
Molecular consequence: missense variant. On other transcripts: non-coding transcript variant (1).
Genome position (GRCh38, 1-based): chrX:41,346,544, G>C. VCF-style: chrX-41346544-G-C. GRCh37 (hg19) VCF-style: chrX-41205797-G-C.
Other names: c.1537G>C, p.Val513Leu (NM_001193416.3); c.1489G>C, p.Val497Leu (NM_001193417.3); c.979G>C, p.Val327Leu (NM_001363819.1); short protein forms V327L, V497L, V513L.
Identifiers: ClinVar variation 1012216 (VCV001012216.27), dbSNP rs2063927856, ClinGen allele CA412776359.